The following is an entry in ClinVar:

NM_014795.4(ZEB2):c.350_351del (p.Asp116_Tyr117insTer)

Gene: ZEB2 (zinc finger E-box binding homeobox 2; minus strand). Cytogenetic location: 2q22.3.
Variant type: Deletion.
Coding change: c.350_351del on transcript NM_014795.4 (MANE Select); coding-DNA positions 350 to 351, 2 bases deleted (AT; older notation c.350_351delAT).
Protein change: p.Asp116_Tyr117insTer.
Molecular consequence: nonsense. On other transcripts: intron variant (1).
Genome position (GRCh38, 1-based): chr2:144,424,848-144,424,849, AT deleted on the plus strand (AT on the coding strand, the reverse complement: ZEB2 is on the minus strand); deleting any 2 consecutive bases within chr2:144,424,848-144,424,850 gives the same sequence; the c. name uses the placement nearest the transcript's 3' end. VCF-style (leftmost placement, unchanged base first): chr2-144424847-CAT-C. GRCh37 (hg19) VCF-style: chr2-145182414-CAT-C.
Other names: c.331+4920_331+4921del (NM_001171653.2).
Identifiers: ClinVar variation 2577794 (VCV002577794.1), dbSNP rs2549118574, ClinGen allele CA2580617430.
Genomic context (GRCh38, chr2:144,424,847, plus strand): 5'-ATAACTCACCTGTACCATTGTTAATTGCGGTCTGGATCGTGGCTTCTGGCCCCATAGTGT[CAT>C]AGTCTTCCTTCATTTCTTCTGTGGGGGAAAATTATCTTTAGCATTTGAGAATTGTAGAAA-3'

ClinVar aggregate classification (germline): Pathogenic (1 of 4 stars; one submission).

Submission:

GeneDx
Classification: Pathogenic. Last evaluated: 2023-02-24. Review status: criteria provided, single submitter. Criteria: GeneDx Variant Classification Process June 2021. Collection method: clinical testing. Allele origin: germline. Affected: yes.
Comment: Identified in an individual with Mowat-Wilson syndrome in published literature, however, clinical and familial segregation information was not provided (Dastot-Le Moal F et al., 2007); Nonsense variant predicted to result in protein truncation or nonsense mediated decay in a gene for which loss of function is a known mechanism of disease; Not observed at significant frequency in large population cohorts (gnomAD); This variant is associated with the following publications: (PMID: 17203459)